The following is an entry in ClinVar:

NM_002691.4(POLD1):c.547del (p.Thr183fs)

Gene: POLD1 (DNA polymerase delta 1, catalytic subunit; plus strand). Cytogenetic location: 19q13.33.
Variant type: Deletion.
Coding change: c.547del on transcript NM_002691.4 (MANE Select); coding-DNA position 547, one base deleted (A; older notation c.547delA).
Protein change: p.Thr183fs; shifts the reading frame from threonine 183.
Molecular consequence: frameshift variant. On other transcripts: non-coding transcript variant (1).
Genome position (GRCh38, 1-based): chr19:50,402,082, A deleted. VCF-style (leftmost placement, unchanged base first): chr19-50402081-GA-G. GRCh37 (hg19) VCF-style: chr19-50905338-GA-G.
Other names: c.547del, p.Thr183fs (NM_001256849.1, NM_001308632.1, NM_001438210.1 and 3 more transcripts); short protein forms T183fs.
Identifiers: ClinVar variation 4728594 (VCV004728594.1).

ClinVar aggregate classification (germline): Uncertain significance (1 of 4 stars; one submission).

Conditions:
POLD1-related polyposis and colorectal cancer syndrome (CRCS10). Also called: COLORECTAL CANCER, SUSCEPTIBILITY TO, ON CHROMOSOME 19q; Colorectal cancer 10; Colorectal cancer, susceptibility to, 10. Identifiers: Orphanet 220460, MedGen C2675481, MONDO:0012953, OMIM 612591.

Submission:

Labcorp Genetics (formerly Invitae), Labcorp
Classification: Uncertain significance for POLD1-related polyposis and colorectal cancer syndrome. Last evaluated: 2025-10-07. Review status: criteria provided, single submitter. Criteria: Invitae Variant Classification Sherloc (09022015). Collection method: clinical testing. Allele origin: germline.
Comment: This sequence change creates a premature translational stop signal (p.Thr183Leufs*93) in the POLD1 gene. Missense variants that disrupt the 3'-5' exonuclease (proof-reading) activity of the POLD1 protein are associated with PPAP (polymerase proofreading–associated polyposis) (PMID: 23263490, 23447401). However, loss-of-function variants that result in an absent or severely disrupted POLD1 protein, and missense variants outside the exonuclease domain, are unlikely to be associated with PPAP. This variant is not present in population databases (gnomAD no frequency). This variant has not been reported in the literature in individuals affected with POLD1-related conditions. In summary, the available evidence is currently insufficient to determine the role of this variant in disease. Therefore, it has been classified as a Variant of Uncertain Significance.

Literature cited by the submitters: PubMed 23263490; PubMed 23447401.